The following is an entry in ClinVar:

NM_004183.4(BEST1):c.171ACA[1] (p.Gln59del)

Gene: BEST1 (bestrophin 1; plus strand). Cytogenetic location: 11q12.3.
Variant type: Microsatellite.
Coding change: c.171ACA[1] on transcript NM_004183.4 (MANE Select); one copy of the 3-base unit ACA starting at c.171; the reference has two copies in a row; one copy, 3 bases deleted.
Protein change: p.Gln59del; deletes glutamine 59.
Molecular consequence: 5 prime UTR variant (on NM_001300786.2). On other transcripts: inframe indel (1), non-coding transcript variant (1).
Genome position (GRCh38, 1-based): chr11:61,955,128-61,955,130, ACA deleted; deleting any 3 consecutive bases within chr11:61,955,124-61,955,130 gives the same sequence; the position shown is the placement nearest the transcript's 3' end. VCF-style (leftmost placement, unchanged base first): chr11-61955123-GAAC-G. GRCh37 (hg19) VCF-style: chr11-61722595-GAAC-G.
Other names: c.-10_-8ACA[1] (NM_001139443.3); c.-10ACA[1] (NM_001300786.2, NM_001300787.2); c.171_173ACA[1], p.Gln59del (NM_001363592.2); short protein forms Q59del.
Identifiers: ClinVar variation 1062661 (VCV001062661.9), dbSNP rs1221728254, ClinGen allele CA599524757.

ClinVar aggregate classification (germline): Uncertain significance (1 of 4 stars; one submission).

Submission:

Labcorp Genetics (formerly Invitae), Labcorp
Classification: Uncertain significance. Last evaluated: 2020-03-11. Review status: criteria provided, single submitter. Criteria: Invitae Variant Classification Sherloc (09022015). Collection method: clinical testing. Allele origin: germline.
Comment: Experimental studies and prediction algorithms are not available or were not evaluated, and the functional significance of this variant is currently unknown. This variant is not present in population databases (ExAC no frequency). This variant has been observed in individual(s) with autosomal recessive bestrophinopathy (PMID: 30593719). In summary, the available evidence is currently insufficient to determine the role of this variant in disease. Therefore, it has been classified as a Variant of Uncertain Significance. This variant, c.174_176del, results in the deletion of 1 amino acid(s) of the BEST1 protein (p.Gln59del), but otherwise preserves the integrity of the reading frame.

Literature cited by the submitters: PubMed 30593719.